The following is an entry in ClinVar:

ClinVar aggregate classification (germline): Likely pathogenic (1 of 4 stars; one submission).

Conditions:
Anemia, nonspherocytic hemolytic, due to G6PD deficiency (CNSHA1). Also called: Hemolytic anemia due to G6PD deficiency; Class I glucose-6-phosphate dehydrogenase deficiency; Favism, susceptibility to; ANEMIA, CONGENITAL, NONSPHEROCYTIC HEMOLYTIC, 1. Identifiers: Orphanet 466026, MedGen C2720289, MONDO:0010480, OMIM 300908.

Submission:

Dunham Lab, University of Washington
Classification: Likely pathogenic for Anemia, nonspherocytic hemolytic, due to G6PD deficiency. Last evaluated: 2022-08-12. Review status: criteria provided, single submitter. Criteria: Bayesian ACMG Guidelines, 2018. Collection method: curation. Allele origin: unknown. Affected: yes.
Comment: Decreased activity in red blood cells of hemizygote (PS3). Below expected carrier frequency in gnomAD (PM2). Post_P 0.949 (odds of pathogenicity 168.4, Prior_P 0.1).

Literature cited by the submitters: PubMed 22293322.

NM_001360016.2(G6PD):c.179T>C (p.Leu60Pro)

Gene: G6PD (glucose-6-phosphate dehydrogenase; minus strand). Cytogenetic location: Xq28.
Variant type: single nucleotide variant.
Coding change: c.179T>C on transcript NM_001360016.2 (MANE Select); coding-DNA position 179, T replaced by C.
Protein change: p.Leu60Pro; replaces leucine 60 with proline.
Molecular consequence: missense variant.
Genome position (GRCh38, 1-based): chrX:154,536,025, A>G on the plus strand (T>C on the coding strand, the complement: G6PD is on the minus strand). VCF-style: chrX-154536025-A-G. GRCh37 (hg19) VCF-style: chrX-153764240-A-G.
Other names: G6PD Costanzo; c.269T>C, p.Leu90Pro (NM_000402.4); c.179T>C, p.Leu60Pro (NM_001042351.3); short protein forms L60P, L90P.
Identifiers: ClinVar variation 1722706 (VCV001722706.2), dbSNP rs2523272918, ClinGen allele CA415239936.
Genomic context (GRCh38, chrX:154,536,025, plus strand): 5'-ATGTCAGCCACTGTGAGGCGGGAACGGGCATAGCCCACGATGAAGGTGTTTTCGGGCAGA[A>G]GGCCATCCCGGAACAGCCACCTGAGGGCAGGGCACAGCTGTAACCAGTGCGGGCAGGGCA-3'
Protein context (NP_001346945.1, residues 50-70): PTIWWLFRDG[Leu60Pro]LPENTFIVGY